The following is an entry in ClinVar:

NM_015346.4(ZFYVE26):c.7588dup (p.Arg2530fs)

Gene: ZFYVE26 (zinc finger FYVE-type containing 26; minus strand). Cytogenetic location: 14q24.1.
Variant type: Duplication.
Coding change: c.7588dup on transcript NM_015346.4 (MANE Select); coding-DNA position 7588, one base duplicated (C; older notation c.7588dupC).
Protein change: p.Arg2530fs; shifts the reading frame from arginine 2530.
Molecular consequence: frameshift variant.
Genome position (GRCh38, 1-based): chr14:67,748,468, G duplicated on the plus strand (C on the coding strand, the reverse complement: ZFYVE26 is on the minus strand); the first of 5 consecutive G bases (chr14:67,748,468-67,748,472); duplicating any one gives the same sequence. VCF-style (leftmost placement, unchanged base first): chr14-67748467-C-CG. GRCh37 (hg19) VCF-style: chr14-68215184-C-CG.
Other names: short protein forms R2530fs.
Identifiers: ClinVar variation 1440502 (VCV001440502.6), dbSNP rs2140176050, ClinGen allele CA2573150078.
Genomic context (GRCh38, chr14:67,748,467, plus strand): 5'-CCACGTGTTCCTGGCCCCACTGCCCAAGGTCACTTCCTGGAGCCTGGGCCATGGGCACCC[C>CG]GGGGGTGGCTTGTCAGAAGCCACTGGGCACAGATGTCTTGCACTACTGCATCCCCGCTGC-3'

ClinVar aggregate classification (germline): Uncertain significance (1 of 4 stars; one submission).

Conditions:
Spastic paraplegia. Identifiers: MedGen C0037772, HP:0001258.

Submission:

Labcorp Genetics (formerly Invitae), Labcorp
Classification: Uncertain significance for Spastic paraplegia. Last evaluated: 2022-06-05. Review status: criteria provided, single submitter. Criteria: Invitae Variant Classification Sherloc (09022015). Collection method: clinical testing. Allele origin: germline.
Comment: In summary, the available evidence is currently insufficient to determine the role of this variant in disease. Therefore, it has been classified as a Variant of Uncertain Significance. ClinVar contains an entry for this variant (Variation ID: 1440502). This variant has not been reported in the literature in individuals affected with ZFYVE26-related conditions. This variant is not present in population databases (gnomAD no frequency). This sequence change results in a frameshift in the ZFYVE26 gene (p.Arg2530Profs*49). While this is not anticipated to result in nonsense mediated decay, it is expected to disrupt the last 10 amino acid(s) of the ZFYVE26 protein and extend the protein by 38 additional amino acid residues.